The following is an entry in ClinVar:

NM_016333.4(SRRM2):c.6981C>T (p.Ser2327=)

Gene: SRRM2 (serine/arginine repetitive matrix 2; plus strand). Cytogenetic location: 16p13.3.
Variant type: single nucleotide variant.
Coding change: c.6981C>T on transcript NM_016333.4 (MANE Select); coding-DNA position 6981, C replaced by T.
Protein change: p.Ser2327=; no amino-acid change (serine 2327 retained).
Molecular consequence: synonymous variant.
Genome position (GRCh38, 1-based): chr16:2,767,509, C>T. VCF-style: chr16-2767509-C-T. GRCh37 (hg19) VCF-style: chr16-2817510-C-T.
Identifiers: ClinVar variation 3770693 (VCV003770693.14).

ClinVar aggregate classification (germline): Likely benign. Review status: criteria provided, multiple submitters, no conflicts (2 of 4 stars). 2 submissions from 2 submitters: Likely benign (2). Last evaluated 2026-04-01.

Submissions (2):

CeGaT Center for Human Genetics Tuebingen
Classification: Likely benign. Last evaluated: 2026-04-01. Review status: criteria provided, single submitter. Criteria: CeGaT Center For Human Genetics Tuebingen Variant Classification Criteria Version 2. Collection method: clinical testing. Allele origin: germline. Affected: yes. Observed: 3 variant alleles.
Comment: SRRM2: BP4, BP7, BS1

Blueprint Genetics
Classification: Likely benign. Last evaluated: 2024-11-12. Review status: criteria provided, single submitter. Criteria: ACMG Guidelines, 2015. Collection method: clinical testing. Allele origin: germline.